The following is an entry in ClinVar:

NC_000017.10:g.(?_68171181)_(68172464_?)dup

Gene: KCNJ2 (potassium inwardly rectifying channel subfamily J member 2; plus strand). Cytogenetic location: 17q24.3.
Variant type: Duplication.
Identifiers: ClinVar variation 1511120 (VCV001511120.3).

ClinVar aggregate classification (germline): Uncertain significance (1 of 4 stars; one submission).

Conditions:
Andersen Tawil syndrome (LQT7). Also called: Potassium-sensitive periodic paralysis, ventricular ectopy, and dysmorphic features; Andersen Syndrome; LONG QT SYNDROME 7; PERIODIC PARALYSIS, POTASSIUM-SENSITIVE CARDIODYSRHYTHMIC TYPE; ANDERSEN CARDIODYSRHYTHMIC PERIODIC PARALYSIS. Identifiers: Orphanet 37553, MedGen C1563715, MONDO:0008222, OMIM 170390.
Short QT syndrome type 3. Identifiers: Orphanet 51083, MedGen C1865018, MONDO:0012314, OMIM 609622.

Submission:

Labcorp Genetics (formerly Invitae), Labcorp
Classification: Uncertain significance for Short QT syndrome type 3; Andersen Tawil syndrome. Last evaluated: 2021-02-16. Review status: criteria provided, single submitter. Criteria: Invitae Variant Classification Sherloc (09022015). Collection method: clinical testing. Allele origin: germline.
Comment: A copy number gain of the genomic region encompassing the full coding sequence of the KCNJ2 gene has been identified. The boundaries of this event are unknown as they extend beyond the assayed region for this gene and therefore may encompass additional genes. As the precise location of this event is unknown, it may be in tandem or it may be located elsewhere in the genome. This variant has not been reported in the literature in individuals with KCNJ2-related conditions. In summary, the available evidence is currently insufficient to determine the role of this variant in disease. Therefore, it has been classified as a Variant of Uncertain Significance.